The following is an entry in ClinVar:

NM_033360.4(KRAS):c.559A>C (p.Ile187Leu)

Gene: KRAS (KRas proto-oncogene, GTPase; minus strand). Cytogenetic location: 12p12.1.
Variant type: single nucleotide variant.
Coding change: c.559A>C on transcript NM_033360.4 (MANE Plus Clinical); coding-DNA position 559, A replaced by C.
Protein change: p.Ile187Leu; replaces isoleucine 187 with leucine.
Molecular consequence: missense variant. On other transcripts: intron variant (2).
Genome position (GRCh38, 1-based): chr12:25,215,452, T>G on the plus strand (A>C on the coding strand, the complement: KRAS is on the minus strand). VCF-style: chr12-25215452-T-G. GRCh37 (hg19) VCF-style: chr12-25368386-T-G.
Other names: c.559A>C, p.Ile187Leu (NM_001369786.1); c.451-5541A>C (NM_001369787.1, NM_004985.5); short protein forms I187L.
Identifiers: ClinVar variation 4997667 (VCV004997667.1).

ClinVar aggregate classification (germline): Uncertain significance (1 of 4 stars; one submission).

Conditions:
KRAS-related disorder. Also called: KRAS-related condition; KRAS-related disorders.

Submission:

PreventionGenetics, part of Exact Sciences
Classification: Uncertain significance for KRAS-related condition. Last evaluated: 2026-01-05. Review status: criteria provided, single submitter. Criteria: ACMG Guidelines, 2015. Collection method: clinical testing. Allele origin: germline.
Comment: The KRAS c.559A>C variant is predicted to result in the amino acid substitution p.Ile187Leu. To our knowledge, this variant has not been reported in the literature or in a large population database (gnomAD), indicating this variant is rare. At this time, the clinical significance of this variant is uncertain due to the absence of conclusive functional and genetic evidence.